The following is an entry in ClinVar:

NM_024675.4(PALB2):c.1600T>G (p.Ser534Ala)

Gene: PALB2 (partner and localizer of BRCA2; minus strand). Cytogenetic location: 16p12.2.
Variant type: single nucleotide variant.
Coding change: c.1600T>G on transcript NM_024675.4 (MANE Select); coding-DNA position 1600, T replaced by G.
Protein change: p.Ser534Ala; replaces serine 534 with alanine.
Molecular consequence: missense variant.
Genome position (GRCh38, 1-based): chr16:23,634,946, A>C on the plus strand (T>G on the coding strand, the complement: PALB2 is on the minus strand). VCF-style: chr16-23634946-A-C. GRCh37 (hg19) VCF-style: chr16-23646267-A-C.
Other names: short protein forms S534A.
Identifiers: ClinVar variation 419370 (VCV000419370.21), dbSNP rs1064793824, ClinGen allele CA16620143.

ClinVar aggregate classification (germline): Conflicting classifications of pathogenicity. Review status: criteria provided, conflicting classifications (1 of 4 stars). 5 submissions from 5 submitters: Uncertain significance (3); Likely benign (1). 1 of the submissions does not count toward it. Last evaluated 2024-10-10.

Conditions:
Familial cancer of breast. Also called: Hereditary breast cancer; BREAST CANCER, FAMILIAL; hereditary breast carcinoma. Identifiers: Orphanet 227535, MedGen C0346153, MONDO:0016419, OMIM 114480. Disease mechanism: loss of function.
Chordoma. Identifiers: Orphanet 178, MedGen C0008487, MONDO:0008978, HP:0010762.
Hereditary cancer-predisposing syndrome. Also called: Hereditary neoplastic syndrome; Tumor predisposition; Neoplastic Syndromes, Hereditary; Hereditary Cancer Syndrome. Identifiers: Orphanet 140162, MedGen C0027672, MeSH D009386, MONDO:0015356.

Allele frequency attached by ClinVar (database versions not stated): gnomAD exomes below 0.00001.
gnomAD v4.1: 2 of 1,614,136 alleles (0.00012%); highest among the groups gnomAD compares: Non-Finnish European, 0.00017%; no homozygotes.

Submissions (5):

Labcorp Genetics (formerly Invitae), Labcorp
Classification: Uncertain significance for Familial cancer of breast. Last evaluated: 2024-10-10. Review status: criteria provided, single submitter. Criteria: Invitae Variant Classification Sherloc (09022015). Collection method: clinical testing. Allele origin: germline.
Comment: This sequence change replaces serine, which is neutral and polar, with alanine, which is neutral and non-polar, at codon 534 of the PALB2 protein (p.Ser534Ala). This variant is present in population databases (no rsID available, gnomAD 0.0009%). This variant has not been reported in the literature in individuals affected with PALB2-related conditions. ClinVar contains an entry for this variant (Variation ID: 419370). Invitae Evidence Modeling of protein sequence and biophysical properties (such as structural, functional, and spatial information, amino acid conservation, physicochemical variation, residue mobility, and thermodynamic stability) indicates that this missense variant is not expected to disrupt PALB2 protein function with a negative predictive value of 80%. Experimental studies have shown that this missense change does not substantially affect PALB2 function (PMID: 31636395). In summary, the available evidence is currently insufficient to determine the role of this variant in disease. Therefore, it has been classified as a Variant of Uncertain Significance.

Ambry Genetics
Classification: Likely benign for Hereditary cancer-predisposing syndrome. Last evaluated: 2024-04-22. Review status: criteria provided, single submitter. Criteria: Ambry Variant Classification Scheme 2023. Collection method: clinical testing. Allele origin: germline.

Color Diagnostics, LLC DBA Color Health
Classification: Uncertain significance for Hereditary cancer-predisposing syndrome. Last evaluated: 2021-10-12. Review status: criteria provided, single submitter. Criteria: ACMG Guidelines, 2015. Collection method: clinical testing. Allele origin: germline.
Comment: This missense variant replaces serine with alanine at codon 534 of the PALB2 protein. Computational prediction suggests that this variant may not impact protein structure and function (internally defined REVEL score threshold <= 0.5, PMID: 27666373). Functional studies have shown that this variant does not disrupt homology directed repair activity of PALB2 (PMID: 31636395). To our knowledge, this variant has not been reported in individuals affected with hereditary cancer in the literature. This variant has been identified in 1/251484 chromosomes in the general population by the Genome Aggregation Database (gnomAD). The available evidence is insufficient to determine the role of this variant in disease conclusively. Therefore, this variant is classified as a Variant of Uncertain Significance.

GeneDx
Classification: Uncertain significance. Last evaluated: 2015-07-10. Review status: criteria provided, single submitter. Criteria: GeneDx Variant Classification (06012015). Collection method: clinical testing. Allele origin: germline. Affected: yes.
Comment: This variant is denoted PALB2 c.1600T>G at the cDNA level, p.Ser534Ala (S534A) at the protein level, and results in the change of a Serine to an Alanine (TCT>GCT). This variant has not, to our knowledge, been published in the literature as pathogenic or benign. PALB2 Ser534Ala was not observed in approximately 6,500 individuals of European and African American ancestry in the NHLBI Exome Sequencing Project, indicating it is not a common benign variant in these populations. Since Serine and Alanine differ in polarity, charge, size or other properties, this is considered a non-conservative amino acid substitution. PALB2 Ser534Ala occurs at a position that is not conserved and is located in the DNA-binding domain (UniProt). In silico analyses predict that this variant is unlikely to alter protein structure or function. Based on currently available information, it is unclear whether PALB2 Ser534Ala is pathogenic or benign. We consider it to be a variant of uncertain significance.

Integrative Tumor Epidemiology Branch, National Institutes of Health
Classification: Uncertain significance for Chordoma. Last evaluated: 2021-03-22. Review status: no assertion criteria provided. Collection method: research. Allele origin: germline. Affected: yes. Observed: 1 variant allele. Not counted in ClinVar's aggregate classification.
Comment: No effect on HRR activity

Literature cited by the submitters: PubMed 31636395 (cited by 3 submitters).